The following is an entry in ClinVar:

NM_020693.4(DSCAML1):c.4964T>C (p.Leu1655Pro)

Gene: DSCAML1 (DS cell adhesion molecule like 1; minus strand). Cytogenetic location: 11q23.3.
Variant type: single nucleotide variant.
Coding change: c.4964T>C on transcript NM_020693.4 (MANE Select); coding-DNA position 4964, T replaced by C.
Protein change: p.Leu1655Pro; replaces leucine 1655 with proline.
Molecular consequence: missense variant.
Genome position (GRCh38, 1-based): chr11:117,433,200, A>G on the plus strand (T>C on the coding strand, the complement: DSCAML1 is on the minus strand). VCF-style: chr11-117433200-A-G. GRCh37 (hg19) VCF-style: chr11-117303916-A-G.
Other names: short protein forms L1655P.
Identifiers: ClinVar variation 4807500 (VCV004807500.1).

ClinVar aggregate classification (germline): Uncertain significance (1 of 4 stars; one submission).

Submission:

Labcorp Genetics (formerly Invitae), Labcorp
Classification: Uncertain significance. Last evaluated: 2025-11-16. Review status: criteria provided, single submitter. Criteria: Invitae Variant Classification Sherloc (09022015). Collection method: clinical testing. Allele origin: germline.
Comment: This sequence change replaces leucine, which is neutral and non-polar, with proline, which is neutral and non-polar, at codon 1715 of the DSCAML1 protein (p.Leu1715Pro). This variant is not present in population databases (gnomAD no frequency). This variant has not been reported in the literature in individuals affected with DSCAML1-related conditions. An algorithm developed to predict the effect of missense changes on protein structure and function (PolyPhen-2) suggests that this variant is likely to be tolerated. In summary, the available evidence is currently insufficient to determine the role of this variant in disease. Therefore, it has been classified as a Variant of Uncertain Significance.